The following is an entry in ClinVar:

ClinVar aggregate classification (germline): Uncertain significance. Review status: criteria provided, single submitter (1 of 4 stars). 2 submissions from 2 submitters: Uncertain significance (1). 1 of the submissions does not count toward it. Last evaluated 2021-07-15.

Conditions:
H1-4-related disorder. Also called: H1-4-related condition.

Allele frequency attached by ClinVar (database versions not stated): ExAC 0.00003; TOPMed 0.00006; gnomAD 0.00007.
gnomAD v4.1: 32 of 1,613,278 alleles (0.002%); highest among the groups gnomAD compares: African/African-American, 0.028%; no homozygotes.

Submissions (2):

Ambry Genetics
Classification: Uncertain significance. Last evaluated: 2021-07-15. Review status: criteria provided, single submitter. Criteria: Ambry Variant Classification Scheme 2023. Collection method: clinical testing. Allele origin: germline.

PreventionGenetics, part of Exact Sciences
Classification: Likely benign for H1-4-related condition. Last evaluated: 2023-03-24. Review status: no assertion criteria provided. Collection method: clinical testing. Allele origin: germline. Not counted in ClinVar's aggregate classification.
Comment: This variant is classified as likely benign based on ACMG/AMP sequence variant interpretation guidelines (Richards et al. 2015 PMID: 25741868, with internal and published modifications).

NM_005321.3(H1-4):c.377C>T (p.Ala126Val)

Gene: H1-4 (H1.4 linker histone, cluster member; plus strand). Cytogenetic location: 6p22.2.
Variant type: single nucleotide variant.
Coding change: c.377C>T on transcript NM_005321.3 (MANE Select); coding-DNA position 377, C replaced by T.
Protein change: p.Ala126Val; replaces alanine 126 with valine.
Molecular consequence: missense variant.
Genome position (GRCh38, 1-based): chr6:26,156,767, C>T. VCF-style: chr6-26156767-C-T. GRCh37 (hg19) VCF-style: chr6-26156995-C-T.
Other names: short protein forms A126V.
Identifiers: ClinVar variation 3030566 (VCV003030566.3), dbSNP rs780840737, ClinGen allele CA3668080.